The following is an entry in ClinVar:

ClinVar aggregate classification (germline): Uncertain significance (1 of 4 stars; one submission).

Submission:

GeneDx
Classification: Uncertain significance. Last evaluated: 2023-06-22. Review status: criteria provided, single submitter. Criteria: GeneDx Variant Classification Process June 2021. Collection method: clinical testing. Allele origin: germline. Affected: yes.
Comment: Not observed at significant frequency in large population cohorts (gnomAD); In silico analysis is inconclusive as to whether the variant alters gene splicing. In the absence of RNA/functional studies, the actual effect of this sequence change is unknown.; Has not been previously published as pathogenic or benign to our knowledge

NM_000899.5(KITLG):c.715-21_715-12delinsGTGTAAAATAATGTC

Gene: KITLG (KIT ligand; minus strand). Cytogenetic location: 12q21.32.
Variant type: Indel.
Coding change: c.715-21_715-12delinsGTGTAAAATAATGTC on transcript NM_000899.5 (MANE Select); 21 bases into the intron before coding-DNA position 715 through 12 bases into the intron before coding-DNA position 715, ATGTCTTTCT replaced by GTGTAAAATAATGTC.
Molecular consequence: intron variant.
Genome position (GRCh38, 1-based): chr12:88,506,390-88,506,399, AGAAAGACAT replaced by GACATTATTTTACAC on the plus strand (ATGTCTTTCT replaced by GTGTAAAATAATGTC on the coding strand, the reverse complement: KITLG is on the minus strand). VCF-style: chr12-88506390-AGAAAGACAT-GACATTATTTTACAC. GRCh37 (hg19) VCF-style: chr12-88900167-AGAAAGACAT-GACATTATTTTACAC.
Other names: c.631-21_631-12delinsGTGTAAAATAATGTC (NM_003994.6).
Identifiers: ClinVar variation 3360374 (VCV003360374.1).